The following is an entry in ClinVar:

NM_001163809.2(WDR81):c.4620C>T (p.Pro1540=)

Gene: WDR81 (WD repeat domain 81; plus strand). Cytogenetic location: 17p13.3.
Variant type: single nucleotide variant.
Coding change: c.4620C>T on transcript NM_001163809.2 (MANE Select); coding-DNA position 4620, C replaced by T.
Protein change: p.Pro1540=; no amino-acid change (proline 1540 retained).
Molecular consequence: synonymous variant.
Genome position (GRCh38, 1-based): chr17:1,733,657, C>T. VCF-style: chr17-1733657-C-T. GRCh37 (hg19) VCF-style: chr17-1636951-C-T.
Other names: c.1011C>T, p.Pro337= (NM_001163673.2); c.939C>T, p.Pro313= (NM_001163811.2); c.1467C>T, p.Pro489= (NM_152348.4).
Identifiers: ClinVar variation 4932630 (VCV004932630.2).

ClinVar aggregate classification (germline): Likely benign. Review status: criteria provided, multiple submitters, no conflicts (2 of 4 stars). 2 submissions from 2 submitters: Likely benign (2). Last evaluated 2026-09-01.

gnomAD v4.1: 58 of 1,607,858 alleles (0.0036%); highest among the groups gnomAD compares: Middle Eastern, 0.066%; 1 homozygote.

Submissions (2):

CeGaT Center for Human Genetics Tuebingen
Classification: Likely benign. Last evaluated: 2026-09-01. Review status: criteria provided, single submitter. Criteria: CeGaT Center For Human Genetics Tuebingen Variant Classification Criteria Version 2. Collection method: clinical testing. Allele origin: germline. Affected: yes. Observed: 1 variant allele.
Comment: WDR81: BP4, BP7

Blueprint Genetics
Classification: Likely benign. Last evaluated: 2024-10-24. Review status: criteria provided, single submitter. Criteria: ACMG Guidelines, 2015. Collection method: clinical testing. Allele origin: germline.